The following is an entry in ClinVar:

NC_000018.10:g.(?_22168362)_(22172289_?)del

Gene: GATA6 (GATA binding protein 6; plus strand). Cytogenetic location: 18q11.2.
Variant type: Deletion.
Identifiers: ClinVar variation 833485 (VCV000833485.5).

ClinVar aggregate classification (germline): Pathogenic (1 of 4 stars; one submission).

Conditions:
Atrioventricular septal defect 5 (AVSD5). Identifiers: MedGen C3280939, MONDO:0013769, OMIM 614474.

Submission:

Labcorp Genetics (formerly Invitae), Labcorp
Classification: Pathogenic for Atrioventricular septal defect 5. Last evaluated: 2019-04-25. Review status: criteria provided, single submitter. Criteria: Invitae Variant Classification Sherloc (09022015). Collection method: clinical testing. Allele origin: germline.
Comment: For these reasons, this variant has been classified as Pathogenic. Loss-of-function variants in GATA6 are known to be pathogenic (PMID: 22158542, 24310933). This variant has not been reported in the literature in individuals with GATA6-related conditions. This variant is a gross deletion of the genomic region encompassing exons 1-2 of the GATA6 gene, which includes the initiator codon. The 5' end of this event is unknown as it extends beyond the assayed region for this gene and therefore may encompass additional genes. The 3' boundary is likely confined to intron 2 of the GATA6 gene. This is expected to result in an absent or disrupted protein product.

Literature cited by the submitters: PubMed 22158542; PubMed 24310933.